The following is an entry in ClinVar:

ClinVar aggregate classification (germline): Benign (1 of 4 stars; one submission).

Allele frequency attached by ClinVar (database versions not stated): 1000 Genomes Project 30x 0.01312; 1000 Genomes Project 0.01338; TOPMed 0.01826; gnomAD 0.02604 and 0.02686.
gnomAD v4.1: 3,948 of 152,040 alleles (2.6%); highest among the groups gnomAD compares: Non-Finnish European, 3.5%; 91 homozygotes.

Submission:

GeneDx
Classification: Benign. Last evaluated: 2018-06-14. Review status: criteria provided, single submitter. Criteria: GeneDx Variant Classification (06012015). Collection method: clinical testing. Allele origin: germline. Affected: yes.
Comment: This variant is considered likely benign or benign based on one or more of the following criteria: it is a conservative change, it occurs at a poorly conserved position in the protein, it is predicted to be benign by multiple in silico algorithms, and/or has population frequency not consistent with disease.

NM_004456.5(EZH2):c.-7-236C>T

Gene: EZH2 (enhancer of zeste 2 polycomb repressive complex 2 subunit; minus strand). Cytogenetic location: 7q36.1.
Variant type: single nucleotide variant.
Coding change: c.-7-236C>T on transcript NM_004456.5 (MANE Select); 236 bases into the intron before 7 bases upstream of the start codon, C replaced by T.
Molecular consequence: intron variant.
Genome position (GRCh38, 1-based): chr7:148,847,541, G>A on the plus strand (C>T on the coding strand, the complement: EZH2 is on the minus strand). VCF-style: chr7-148847541-G-A. GRCh37 (hg19) VCF-style: chr7-148544633-G-A.
Other names: c.-7-236C>T (NM_001203248.2, NM_152998.3, NM_001203247.2 and 1 more transcripts).
Identifiers: ClinVar variation 677736 (VCV000677736.1), dbSNP rs73158267, ClinGen allele CA168876238.